The following is an entry in ClinVar:

NM_020800.3(IFT80):c.890_891del (p.His297fs)

Genes: TRIM59-IFT80 (TRIM59-IFT80 readthrough (NMD candidate); minus strand), IFT80 (intraflagellar transport 80; minus strand). Cytogenetic location: 3q25.33.
Variant type: Deletion.
Coding change: c.890_891del on transcript NM_020800.3 (MANE Select); coding-DNA positions 890 to 891, 2 bases deleted (AT; older notation c.890_891delAT).
Protein change: p.His297fs; shifts the reading frame from histidine 297.
Molecular consequence: frameshift variant. On other transcripts: non-coding transcript variant (3).
Genome position (GRCh38, 1-based): chr3:160,319,826-160,319,827, AT deleted on the plus strand (AT on the coding strand, the reverse complement: IFT80 is on the minus strand). VCF-style (leftmost placement, unchanged base first): chr3-160319825-CAT-C. GRCh37 (hg19) VCF-style: chr3-160037613-CAT-C.
Other names: c.479_480del, p.His160fs (NM_001190241.2, NM_001190242.2); short protein forms H160fs, H297fs.
Identifiers: ClinVar variation 4706226 (VCV004706226.1), dbSNP rs1420420542.

ClinVar aggregate classification (germline): Pathogenic (1 of 4 stars; one submission).

Conditions:
Jeune thoracic dystrophy. Also called: Short-rib thoracic dysplasia; Jeune syndrome; Infantile thoracic dystrophy; Thoracic pelvic phalangeal dystrophy; Jeune's syndrome; Chondroectodermal dysplasia-like syndrome. Identifiers: Orphanet 474, MedGen C0265275, MONDO:0018770.

Allele frequency attached by ClinVar (database versions not stated): TOPMed 0.00002 and 0.00003; gnomAD 0.00001.

Submission:

Labcorp Genetics (formerly Invitae), Labcorp
Classification: Pathogenic for Jeune thoracic dystrophy. Last evaluated: 2025-10-17. Review status: criteria provided, single submitter. Criteria: Invitae Variant Classification Sherloc (09022015). Collection method: clinical testing. Allele origin: germline.
Comment: This sequence change creates a premature translational stop signal (p.His297Argfs*25) in the IFT80 gene. It is expected to result in an absent or disrupted protein product. Loss-of-function variants in IFT80 are known to be pathogenic (PMID: 21227999, 23339108, 29068549). This variant is not present in population databases (gnomAD no frequency). This variant has not been reported in the literature in individuals affected with IFT80-related conditions. For these reasons, this variant has been classified as Pathogenic.

Literature cited by the submitters: PubMed 21227999; PubMed 23339108; PubMed 29068549.